The following is an entry in ClinVar:

ClinVar aggregate classification (germline): Pathogenic/Likely pathogenic. Review status: criteria provided, multiple submitters, no conflicts (2 of 4 stars). 2 submissions from 2 submitters: Pathogenic (1); Likely pathogenic (1). Last evaluated 2024-04-24.

Conditions:
CFTR-related disorder (CFTR-RD). Also called: CFTR-related condition; CFTR-related disorders. Identifiers: MedGen C5924204, MONDO:7770004.
Cystic fibrosis (CF). Also called: MUCOVISCIDOSIS. Identifiers: Orphanet 586, MedGen C0010674, MONDO:0009061, OMIM 219700. Disease mechanism: loss of function.

Submissions (2):

Natera, Inc.
Classification: Likely pathogenic for CFTR-related disorders. Last evaluated: 2024-04-24. Review status: criteria provided, single submitter. Criteria: Natera Variant Classification Schema (03/2026). Collection method: clinical testing. Allele origin: germline.
Comment: The c.1012_1013delAC variant in CFTR is a frameshift variant predicted to shift the reading frame beginning at codon 338 and leads to a stop codon 25 codons downstream. This variant is expected to result in nonsense mediated decay, truncation, or a dysfunctional protein product. This variant is rare in the general population with a frequency below the threshold expected for the associated phenotype(s). Given the available evidence, this variant is classified as Likely Pathogenic.

Labcorp Genetics (formerly Invitae), Labcorp
Classification: Pathogenic for Cystic fibrosis. Last evaluated: 2022-05-18. Review status: criteria provided, single submitter. Criteria: Invitae Variant Classification Sherloc (09022015). Collection method: clinical testing. Allele origin: germline.
Comment: This sequence change creates a premature translational stop signal (p.Thr338Hisfs*25) in the CFTR gene. It is expected to result in an absent or disrupted protein product. Loss-of-function variants in CFTR are known to be pathogenic (PMID: 1695717, 7691345, 9725922). For these reasons, this variant has been classified as Pathogenic. This variant has not been reported in the literature in individuals affected with CFTR-related conditions. This variant is not present in population databases (gnomAD no frequency).

Literature cited by the submitters: PubMed 1695717 (cited by Labcorp Genetics (formerly Invitae), Labcorp); PubMed 7691345 (cited by Labcorp Genetics (formerly Invitae), Labcorp); PubMed 9725922 (cited by Labcorp Genetics (formerly Invitae), Labcorp).

NM_000492.4(CFTR):c.1012_1013del (p.Thr338fs)

Gene: CFTR (CF transmembrane conductance regulator; plus strand). Cytogenetic location: 7q31.2.
Variant type: Deletion.
Coding change: c.1012_1013del on transcript NM_000492.4 (MANE Select); coding-DNA positions 1012 to 1013, 2 bases deleted (AC; older notation c.1012_1013delAC).
Protein change: p.Thr338fs; shifts the reading frame from threonine 338.
Molecular consequence: frameshift variant.
Genome position (GRCh38, 1-based): chr7:117,540,242-117,540,243, AC deleted; deleting any 2 consecutive bases within chr7:117,540,241-117,540,243 gives the same sequence; the c. name uses the placement nearest the transcript's 3' end. VCF-style (leftmost placement, unchanged base first): chr7-117540240-TCA-T. GRCh37 (hg19) VCF-style: chr7-117180294-TCA-T.
Other names: short protein forms T338fs.
Identifiers: ClinVar variation 2188059 (VCV002188059.5), dbSNP rs2485026839, ClinGen allele CA2580076458.